The following is an entry in ClinVar:

ClinVar aggregate classification (germline): Likely benign (1 of 4 stars; one submission).

gnomAD v4.1: 101 of 1,613,982 alleles (0.0063%); highest among the groups gnomAD compares: Middle Eastern, 0.033%; no homozygotes.

Submission:

CeGaT Center for Human Genetics Tuebingen
Classification: Likely benign. Last evaluated: 2025-07-01. Review status: criteria provided, single submitter. Criteria: CeGaT Center For Human Genetics Tuebingen Variant Classification Criteria Version 2. Collection method: clinical testing. Allele origin: germline. Affected: yes. Observed: 1 variant allele.
Comment: TANC2: BS2

NM_001394998.1(TANC2):c.1357A>G (p.Ile453Val)

Gene: TANC2 (tetratricopeptide repeat, ankyrin repeat and coiled-coil containing 2; plus strand). Cytogenetic location: 17q23.3.
Variant type: single nucleotide variant.
Coding change: c.1357A>G on transcript NM_001394998.1 (MANE Select); coding-DNA position 1357, A replaced by G.
Protein change: p.Ile453Val; replaces isoleucine 453 with valine.
Molecular consequence: missense variant.
Genome position (GRCh38, 1-based): chr17:63,314,585, A>G. VCF-style: chr17-63314585-A-G. GRCh37 (hg19) VCF-style: chr17-61391946-A-G.
Other names: c.1135A>G, p.Ile379Val (NM_001411076.1, NM_025185.4); short protein forms I379V, I453V.
Identifiers: ClinVar variation 4084716 (VCV004084716.8).